The following is an entry in ClinVar:

NM_007327.4(GRIN1):c.1778G>T (p.Ser593Ile)

Gene: GRIN1 (glutamate ionotropic receptor NMDA type subunit 1; plus strand). Cytogenetic location: 9q34.3.
Variant type: single nucleotide variant.
Coding change: c.1778G>T on transcript NM_007327.4 (MANE Select); coding-DNA position 1778, G replaced by T.
Protein change: p.Ser593Ile; replaces serine 593 with isoleucine.
Molecular consequence: missense variant.
Genome position (GRCh38, 1-based): chr9:137,162,430, G>T. VCF-style: chr9-137162430-G-T. GRCh37 (hg19) VCF-style: chr9-140056882-G-T.
Other names: c.1778G>T (NM_007327.3); c.1778G>T, p.Ser593Ile (NM_000832.7, NM_021569.4); c.1841G>T, p.Ser614Ile (NM_001185090.2, NM_001185091.2); short protein forms S614I, S593I.
Identifiers: ClinVar variation 2134307 (VCV002134307.6), dbSNP rs1186161085, ClinGen allele CA375719088.

ClinVar aggregate classification (germline): Conflicting classifications of pathogenicity. Review status: criteria provided, conflicting classifications (1 of 4 stars). 2 submissions from 2 submitters: Uncertain significance (1); Likely benign (1). Last evaluated 2024-11-11.

Conditions:
Neurodevelopmental disorder with or without hyperkinetic movements and seizures, autosomal dominant. Also called: Intellectual disability, autosomal dominant 8. Identifiers: MedGen C3280282, MONDO:0013655, OMIM 614254.
Inborn genetic diseases. Identifiers: MedGen C0950123, MeSH D030342.

Allele frequency attached by ClinVar (database versions not stated): gnomAD 0.00001.

Submissions (2):

Labcorp Genetics (formerly Invitae), Labcorp
Classification: Likely benign for Neurodevelopmental disorder with or without hyperkinetic movements and seizures, autosomal dominant. Last evaluated: 2024-11-11. Review status: criteria provided, single submitter. Criteria: Invitae Variant Classification Sherloc (09022015). Collection method: clinical testing. Allele origin: germline.

Ambry Genetics
Classification: Uncertain significance for Inborn genetic diseases. Last evaluated: 2023-05-11. Review status: criteria provided, single submitter. Criteria: Ambry Variant Classification Scheme 2023. Collection method: clinical testing. Allele origin: germline.
Comment: The c.1778G>T (p.S593I) alteration is located in exon 13 (coding exon 13) of the GRIN1 gene. This alteration results from a G to T substitution at nucleotide position 1778, causing the serine (S) at amino acid position 593 to be replaced by an isoleucine (I). Based on data from gnomAD, the T allele has an overall frequency of 0.001% (1/152186) total alleles studied. The highest observed frequency was 0.002% (1/41458) of African alleles. This amino acid position is well conserved in available vertebrate species. This alteration is predicted to be tolerated by in silico analysis. Based on insufficient or conflicting evidence, the clinical significance of this alteration remains unclear.